The following is an entry in ClinVar:

ClinVar aggregate classification (germline): Pathogenic/Likely pathogenic. Review status: criteria provided, multiple submitters, no conflicts (2 of 4 stars). 3 submissions from 3 submitters: Pathogenic (1); Likely pathogenic (2). Last evaluated 2023-02-28.

Conditions:
Inborn genetic diseases. Identifiers: MedGen C0950123, MeSH D030342.
Multiple acyl-CoA dehydrogenase deficiency (MADD). Also called: ETHYLMALONIC-ADIPICACIDURIA; GA II; Glutaric aciduria, type 2; Glutaric acidemia type II; GA 2; Glutaric Acidemia type 2. Identifiers: Orphanet 26791, MedGen C0268596, MONDO:0009282, OMIM 231680.

Submissions (3):

Baylor Genetics
Classification: Likely pathogenic for Multiple acyl-CoA dehydrogenase deficiency. Last evaluated: 2023-02-28. Review status: criteria provided, single submitter. Criteria: ACMG Guidelines, 2015. Collection method: clinical testing. Allele origin: unknown.

Ambry Genetics
Classification: Likely pathogenic for Inborn genetic diseases. Last evaluated: 2021-06-06. Review status: criteria provided, single submitter. Criteria: Ambry Variant Classification Scheme 2023. Collection method: clinical testing. Allele origin: germline.
Comment: The c.485_487+14del17insT variant results from a deletion of 17 nucleotides and insertion of 1 nucleotide at positions c.485 to c.487+14and involves the canonical splice donor site after coding exon 4 of the ETFDH gene. Alterations that disrupt the canonical splice site are expected to cause aberrant splicing, resulting in an abnormal protein or a transcript that is subject to nonsense-mediated mRNA decay. As such, this alteration is classified as likely pathogenic. Based on the available evidence, this alteration is classified as likely pathogenic.

GeneDx
Classification: Pathogenic. Last evaluated: 2014-04-25. Review status: criteria provided, single submitter. Criteria: GeneDx Variant Classification (06012015). Collection method: clinical testing. Allele origin: germline. Affected: yes.
Comment: The c.485_487+14delinsT (c.485_487+14delCAGGTAAGGTATAGTGAinsT) mutation destroys the canonical splice donor site in intron 4. It is predicted to cause abnormal gene splicing, either leading to an abnormal message that is subject to nonsense-mediated mRNA decay, or to an abnormal protein product if the message is used for protein translation. Although this mutation has not been previously reported to our knowledge, it is predicted to be a pathogenic mutation.The variant is found in ETFDH panel(s).

NM_004453.4(ETFDH):c.485_487+14delinsT

Gene: ETFDH (electron transfer flavoprotein dehydrogenase; plus strand). Cytogenetic location: 4q32.1.
Variant type: Indel.
Coding change: c.485_487+14delinsT on transcript NM_004453.4 (MANE Select); coding-DNA position 485 through 14 bases into the intron after coding-DNA position 487, CAGGTAAGGTATAGTGA replaced by T.
Molecular consequence: splice donor variant.
Genome position (GRCh38, 1-based): chr4:158,684,671-158,684,687, CAGGTAAGGTATAGTGA replaced by T. VCF-style: chr4-158684671-CAGGTAAGGTATAGTGA-T. GRCh37 (hg19) VCF-style: chr4-159605823-CAGGTAAGGTATAGTGA-T.
Other names: c.485_487+14del17insT (NM_004453.2); c.344_346+14delinsT (NM_001281737.2); c.302_304+14delinsT (NM_001281738.1).
Identifiers: ClinVar variation 203728 (VCV000203728.4), dbSNP rs796051963, ClinGen allele CA312553.